The following is an entry in ClinVar:

NM_001267550.2(TTN):c.77646_77662delinsAGA (p.Ile25883fs)

Genes: TTN (titin; minus strand), TTN-AS1 (TTN antisense RNA 1; plus strand). Cytogenetic location: 2q31.2.
Variant type: Indel.
Coding change: c.77646_77662delinsAGA on transcript NM_001267550.2 (MANE Select); coding-DNA positions 77646 to 77662, CATCGAAATTGTAACTC replaced by AGA.
Protein change: p.Ile25883fs; shifts the reading frame from isoleucine 25883.
Molecular consequence: frameshift variant.
Genome position (GRCh38, 1-based): chr2:178,568,470-178,568,486, GAGTTACAATTTCGATG replaced by TCT on the plus strand (CATCGAAATTGTAACTC replaced by AGA on the coding strand, the reverse complement: TTN is on the minus strand). VCF-style: chr2-178568470-GAGTTACAATTTCGATG-TCT. GRCh37 (hg19) VCF-style: chr2-179433197-GAGTTACAATTTCGATG-TCT.
Other names: c.72723_72739delinsAGA, p.Ile24242fs (NM_001256850.1); c.50451_50467delinsAGA, p.Ile16818fs (NM_003319.4); c.69942_69958delinsAGA, p.Ile23315fs (NM_133378.4); c.50826_50842delinsAGA, p.Ile16943fs (NM_133432.3); c.51027_51043delinsAGA, p.Ile17010fs (NM_133437.4); c.77646_77662delinsAGA (NM_001267550.1); short protein forms I16818fs, I16943fs, I17010fs, I25883fs, I23315fs, I24242fs.
Identifiers: ClinVar variation 202472 (VCV000202472.12), dbSNP rs794729345, ClinGen allele CA309435.
Genomic context (GRCh38, chr2:178,568,470, plus strand): 5'-TACTTTCAGCACTGACGTCATCAAATTTAACAGGTCCTTTTGGAGGATCAGGTTTATCTA[GAGTTACAATTTCGATG>TCT]GATGCTGTCTTCTGACCAACAACATTGGCAACTGTGATTCCATATTGTCCACCATCATCC-3'

ClinVar aggregate classification (germline): Pathogenic/Likely pathogenic. Review status: criteria provided, multiple submitters, no conflicts (2 of 4 stars). 3 submissions from 3 submitters: Pathogenic (1); Likely pathogenic (2). Last evaluated 2025-12-18.

Conditions:
Cardiovascular phenotype. Identifiers: MedGen CN230736.

Submissions (3):

GeneDx
Classification: Pathogenic. Last evaluated: 2025-12-18. Review status: criteria provided, single submitter. Criteria: GeneDx Variant Classification Process June 2021. Collection method: clinical testing. Allele origin: germline. Affected: yes.
Comment: Identified in patients with DCM referred for genetic testing at GeneDx and in published literature (PMID: 22335739); Identified in a patient with skeletal myopathy in published literature; this variant was also identified in this individual's sister with muscle weakness (PMID: 39277846); Frameshift variant predicted to result in protein truncation or nonsense mediated decay in a gene for which loss-of-function is a known mechanism of disease; Not observed at significant frequency in large population cohorts (gnomAD); Located in the A-band, a region of TTN for which truncating variants are significantly associated with autosomal dominant cardiomyopathy and also with autosomal recessive skeletal myopathies (PMID: 22335739, 32778822); This variant is associated with the following publications: (PMID: 22335739, 32778822, 39277846)

Revvity Omics, Revvity
Classification: Likely pathogenic. Last evaluated: 2019-10-22. Review status: criteria provided, single submitter. Criteria: ACMG Guidelines, 2015. Collection method: clinical testing. Allele origin: germline.

Ambry Genetics
Classification: Likely pathogenic for Cardiovascular phenotype. Last evaluated: 2016-12-01. Review status: criteria provided, single submitter. Criteria: Ambry Autosomal Dominant and X-Linked criteria (10/2015). Collection method: clinical testing. Allele origin: germline. Observed: 1 variant allele.
Comment: The c.50451_50467del17insAGA variant, located in coding exon 153 of the TTN gene, results from the deletion of 17 nucleotides and insertion of 3 nucleotides, causing a translational frameshift with a predicted alternate stop codon (p.I16818Dfs*3). This alteration is located in the A-band region of the N2-B isoform of the titin protein. Truncating alterations in TTN have been observed at a significantly higher frequency among patients with dilated cardiomyopathy (DCM), or 54/203 (27%), compared to patients with hypertrophic cardiomyopathy (3 of 231, 1%, P=3x10<sup>-16</sup>) and healthy controls (7 of 249, 3%, P=9x10<sup>-14</sup>). Among families with multiple relatives with DCM, studies also provided strong data demonstrating segregation of TTN truncations with disease (Herman DS et al. N Engl J Med. 2012;366(7):619-28; Pugh TJ et al. Genet Med. 2014;16(8):601-8). This alteration is expected to result in loss of function by premature protein truncation or nonsense-mediated mRNA decay. However, loss of function of TTN has not been clearly established as a mechanism of disease. As such, this variant is classified as likely pathogenic.